The following is an entry in ClinVar:

NM_001128840.3(CACNA1D):c.4475A>G (p.Tyr1492Cys)

Gene: CACNA1D (calcium voltage-gated channel subunit alpha1 D; plus strand). Cytogenetic location: 3p21.1.
Variant type: single nucleotide variant.
Coding change: c.4475A>G on transcript NM_001128840.3 (MANE Select); coding-DNA position 4475, A replaced by G.
Protein change: p.Tyr1492Cys; replaces tyrosine 1492 with cysteine.
Molecular consequence: missense variant.
Genome position (GRCh38, 1-based): chr3:53,776,715, A>G. VCF-style: chr3-53776715-A-G. GRCh37 (hg19) VCF-style: chr3-53810742-A-G.
Other names: c.4535A>G, p.Tyr1512Cys (NM_000720.4); c.4430A>G, p.Tyr1477Cys (NM_001128839.3); short protein forms Y1477C, Y1492C, Y1512C.
Identifiers: ClinVar variation 1358630 (VCV001358630.8), dbSNP rs2095399642, ClinGen allele CA353243197.

ClinVar aggregate classification (germline): Uncertain significance (1 of 4 stars; one submission).

Allele frequency attached by ClinVar (database versions not stated): gnomAD 0.00001.
gnomAD v4.1: 1 of 1,614,110 alleles (0.000062%); highest among the groups gnomAD compares: South Asian, 0.0011%; no homozygotes.

Submission:

Labcorp Genetics (formerly Invitae), Labcorp
Classification: Uncertain significance. Last evaluated: 2023-06-06. Review status: criteria provided, single submitter. Criteria: Invitae Variant Classification Sherloc (09022015). Collection method: clinical testing. Allele origin: germline.
Comment: Advanced modeling of protein sequence and biophysical properties (such as structural, functional, and spatial information, amino acid conservation, physicochemical variation, residue mobility, and thermodynamic stability) performed at Invitae indicates that this missense variant is expected to disrupt CACNA1D protein function. ClinVar contains an entry for this variant (Variation ID: 1358630). This variant has not been reported in the literature in individuals affected with CACNA1D-related conditions. This variant is not present in population databases (gnomAD no frequency). This sequence change replaces tyrosine, which is neutral and polar, with cysteine, which is neutral and slightly polar, at codon 1512 of the CACNA1D protein (p.Tyr1512Cys). In summary, the available evidence is currently insufficient to determine the role of this variant in disease. Therefore, it has been classified as a Variant of Uncertain Significance.